The following is an entry in ClinVar:

NM_000548.5(TSC2):c.4180C>G (p.Leu1394Val)

Gene: TSC2 (TSC complex subunit 2; plus strand). Cytogenetic location: 16p13.3.
Variant type: single nucleotide variant.
Coding change: c.4180C>G on transcript NM_000548.5 (MANE Select); coding-DNA position 4180, C replaced by G.
Protein change: p.Leu1394Val; replaces leucine 1394 with valine.
Molecular consequence: missense variant. On other transcripts: non-coding transcript variant (5).
Genome position (GRCh38, 1-based): chr16:2,084,402, C>G. VCF-style: chr16-2084402-C-G. GRCh37 (hg19) VCF-style: chr16-2134403-C-G.
Other names: c.3979C>G, p.Leu1327Val (NM_001077183.3); c.4111C>G, p.Leu1371Val (NM_001114382.3); c.3871C>G, p.Leu1291Val (NM_001318827.2); c.3835C>G, p.Leu1279Val (NM_001318829.2); c.3448C>G, p.Leu1150Val (NM_001318831.2); c.4012C>G, p.Leu1338Val (NM_001318832.2); c.3982C>G, p.Leu1328Val (NM_001363528.2); c.4048C>G, p.Leu1350Val (NM_001370404.1); and 26 more; short protein forms L1127V, L1128V, L1150V, L1170V, L1171V, L1174V, L1194V, L1278V.
Identifiers: ClinVar variation 3073468 (VCV003073468.2), dbSNP rs911307922, ClinGen allele CA394299797.
Genomic context (GRCh38, chr16:2,084,402, plus strand): 5'-CTCTCCTTCCAGCCCTCGCAGCCCCTGAGCAAGTCCAGCTCCTCTCCCGAGCTGCAGACT[C>G]TGCAGGACATCCTCGGGGACCCTGGGGACAAGGCCGACGTGGGCCGGCTGAGCCCTGAGG-3'
Protein context (NP_000539.2, residues 1384-1404): KSSSSPELQT[Leu1394Val]QDILGDPGDK

ClinVar aggregate classification (germline): Uncertain significance. Review status: criteria provided, multiple submitters, no conflicts (2 of 4 stars). 2 submissions from 2 submitters: Uncertain significance (2). Last evaluated 2026-08-10.

Conditions:
Tuberous sclerosis syndrome (TSC). Also called: Tuberous Sclerosis Complex; Tuberous sclerosis. Identifiers: Orphanet 805, MedGen C0041341, MONDO:0001734.
Hereditary cancer-predisposing syndrome. Also called: Tumor predisposition; Hereditary Cancer Syndrome; Neoplastic Syndromes, Hereditary; Hereditary neoplastic syndrome. Identifiers: Orphanet 140162, MedGen C0027672, MeSH D009386, MONDO:0015356.

Submissions (2):

Ambry Genetics
Classification: Uncertain significance for Hereditary cancer-predisposing syndrome. Last evaluated: 2026-08-10. Review status: criteria provided, single submitter. Criteria: Ambry Variant Classification Scheme 2023. Collection method: clinical testing. Allele origin: germline.
Comment: The p.L1394V variant (also known as c.4180C>G), located in coding exon 33 of the TSC2 gene, results from a C to G substitution at nucleotide position 4180. The leucine at codon 1394 is replaced by valine, an amino acid with highly similar properties. This amino acid position is conserved. In addition, the in silico prediction for this alteration is inconclusive. Based on the available evidence, the clinical significance of this variant remains unclear.

All of Us Research Program, National Institutes of Health
Classification: Uncertain significance for Tuberous sclerosis syndrome. Last evaluated: 2023-09-17. Review status: criteria provided, single submitter. Criteria: ACMG Guidelines, 2015. Collection method: clinical testing. Allele origin: germline. Inheritance: Autosomal dominant inheritance. Observed: 1 variant allele, 1 heterozygote.
Comment: This missense variant replaces leucine with valine at codon 1394 of the TSC2 protein. Computational prediction suggests that this variant may not impact protein structure and function (internally defined REVEL score threshold <= 0.5, PMID: 27666373). To our knowledge, functional studies have not been reported for this variant. This variant has not been reported in individuals affected with TSC2-related disorders in the literature. This variant has not been identified in the general population by the Genome Aggregation Database (gnomAD). The available evidence is insufficient to determine the role of this variant in disease conclusively. Therefore, this variant is classified as a Variant of Uncertain Significance.

This study involves interpretation of variants in research participants for the purpose of population health screening. Participant phenotype was not available at the time of variant classification. Additional details can be found in publication PMID: 35346344, PMCID: PMC8962531